The following is an entry in ClinVar:

ClinVar aggregate classification (germline): Likely benign. Review status: criteria provided, multiple submitters, no conflicts (2 of 4 stars). 2 submissions from 2 submitters: Likely benign (2). Last evaluated 2025-11-23.

Conditions:
Autosomal recessive limb-girdle muscular dystrophy type 2J (LGMDR10). Also called: Limb-girdle muscular dystrophy, type 2J; MUSCULAR DYSTROPHY, LIMB-GIRDLE, AUTOSOMAL RECESSIVE 10. Identifiers: Orphanet 140922, MedGen C1837342, MONDO:0012127, OMIM 608807.
Dilated cardiomyopathy 1G (CMD1G). Identifiers: Orphanet 154, MedGen C1858763, MONDO:0011400, OMIM 604145.
TTN-related disorder. Also called: TTN-related condition; TTN-related disease; TTN-related disorders.

Allele frequency attached by ClinVar (database versions not stated): ExAC 0.00002; gnomAD exomes 0.00002; TOPMed 0.00002; gnomAD 0.00003.
gnomAD v4.1: 30 of 1,576,456 alleles (0.0019%); highest among the groups gnomAD compares: Non-Finnish European, 0.0026%; no homozygotes.

Submissions (2):

Labcorp Genetics (formerly Invitae), Labcorp
Classification: Likely benign for Dilated cardiomyopathy 1G; Autosomal recessive limb-girdle muscular dystrophy type 2J. Last evaluated: 2025-11-23. Review status: criteria provided, single submitter. Criteria: Invitae Variant Classification Sherloc (09022015). Collection method: clinical testing. Allele origin: germline.

PreventionGenetics, part of Exact Sciences
Classification: Likely benign for TTN-related condition. Last evaluated: 2025-10-06. Review status: criteria provided, single submitter. Criteria: ACMG Guidelines, 2015. Collection method: clinical testing. Allele origin: germline.
Comment: This variant is classified as likely benign based on ACMG/AMP sequence variant interpretation guidelines (Richards et al. 2015 PMID: 25741868, with internal and published modifications).

NM_001267550.2(TTN):c.26814A>G (p.Leu8938=)

Gene: TTN (titin; minus strand). Cytogenetic location: 2q31.2.
Variant type: single nucleotide variant.
Coding change: c.26814A>G on transcript NM_001267550.2 (MANE Select); coding-DNA position 26814, A replaced by G.
Protein change: p.Leu8938=; no amino-acid change (leucine 8938 retained).
Molecular consequence: synonymous variant. On other transcripts: intron variant (3).
Genome position (GRCh38, 1-based): chr2:178,713,320, T>C on the plus strand (A>G on the coding strand, the complement: TTN is on the minus strand). VCF-style: chr2-178713320-T-C. GRCh37 (hg19) VCF-style: chr2-179578047-T-C.
Other names: c.25863A>G, p.Leu8621= (NM_001256850.1); c.23082A>G, p.Leu7694= (NM_133378.4); c.13282+24762A>G (NM_003319.4); c.13858+24762A>G (NM_133437.4); c.13657+24762A>G (NM_133432.3).
Identifiers: ClinVar variation 466955 (VCV000466955.13), dbSNP rs764770520, ClinGen allele CA1999917.